The following is an entry in ClinVar:

NM_002470.4(MYH3):c.1581+13A>C

Gene: MYH3 (myosin heavy chain 3; minus strand). Cytogenetic location: 17p13.1.
Variant type: single nucleotide variant.
Coding change: c.1581+13A>C on transcript NM_002470.4 (MANE Select); 13 bases into the intron after coding-DNA position 1581, A replaced by C.
Molecular consequence: intron variant.
Genome position (GRCh38, 1-based): chr17:10,642,813, T>G on the plus strand (A>C on the coding strand, the complement: MYH3 is on the minus strand). VCF-style: chr17-10642813-T-G. GRCh37 (hg19) VCF-style: chr17-10546130-T-G.
Identifiers: ClinVar variation 258671 (VCV000258671.27), dbSNP rs2285468, ClinGen allele CA8392978.
Genomic context (GRCh38, chr17:10,642,813, plus strand): 5'-AGGTAAATATGAGCTGCAGTAATGAGCAGAAGAGTCTATGAGAAGAGCTTACGGTGGGGA[T>G]GGAACTGGATACCTTCTCGATGAGCTCGATGCAGGCAGCCAGGTCCATCCCGAAGTCAAT-3'

ClinVar aggregate classification (germline): Benign. Review status: criteria provided, multiple submitters, no conflicts (2 of 4 stars). 13 submissions from 9 submitters: Benign (10). 3 of the submissions do not count toward it. Last evaluated 2026-02-04.

Conditions:
Contractures, pterygia, and variable skeletal fusions syndrome 1B. Also called: CONTRACTURES, PTERYGIA, AND SPONDYLOCARPOTARSAL FUSION SYNDROME 1B. Identifiers: MedGen C5193114, MONDO:0020746, OMIM 618469.
Arthrogryposis, distal, type 2B3. Also called: Arthrogryposis, distal, type 2B3 (Sheldon-Hall). Identifiers: MedGen C5193098, MONDO:0032751, OMIM 618436.
Contractures, pterygia, and spondylocarpotarsal fusion syndrome 1A (CPSFS1A). Also called: MULTIPLE PTERYGIUM SYNDROME, AUTOSOMAL DOMINANT; Contractures, pterygia, and variable skeletal fusions syndrome 1A; Distal arthrogryposis type 8. Identifiers: Orphanet 65743, MedGen C1867440, MONDO:0008338, OMIM 178110.
Freeman-Sheldon syndrome (DA2A). Also called: WHISTLING FACE-WINDMILL VANE HAND SYNDROME; CRANIOCARPOTARSAL DYSPLASIA; CRANIOCARPOTARSAL DYSTROPHY; Arthrogryposis, distal, type 2A (Freeman-Sheldon). Identifiers: Orphanet 2053, MedGen C0265224, MONDO:0008675, OMIM 193700.
Distal arthrogryposis type 2B1 (DA2B1). Also called: Arthrogryposis multiplex congenita distal type II with craniofacial abnormalities. Identifiers: Orphanet 1147, MedGen C5193014, MONDO:0020820, OMIM 601680.

Allele frequency attached by ClinVar (database versions not stated): 1000 Genomes Project 30x 0.52436; TOPMed 0.60561; gnomAD 0.63294 and 0.63029; 1000 Genomes Project 0.52596.
gnomAD v4.1: 1,154,916 of 1,613,388 alleles (72%); highest among the groups gnomAD compares: Non-Finnish European, 77%; 423,631 homozygotes.

Submissions (13):

Labcorp Genetics (formerly Invitae), Labcorp
Classification: Benign. Last evaluated: 2026-02-04. Review status: criteria provided, single submitter. Criteria: Invitae Variant Classification Sherloc (09022015). Collection method: clinical testing. Allele origin: germline.

Genome-Nilou Lab
Classification: Benign for Freeman-Sheldon syndrome. Last evaluated: 2021-09-05. Review status: criteria provided, single submitter. Criteria: ACMG Guidelines, 2015. Collection method: clinical testing. Allele origin: germline. Affected: no.

Genome-Nilou Lab
Classification: Benign for Arthrogryposis, distal, type 2B3. Last evaluated: 2021-09-05. Review status: criteria provided, single submitter. Criteria: ACMG Guidelines, 2015. Collection method: clinical testing. Allele origin: germline. Affected: no.

Genome-Nilou Lab
Classification: Benign for Contractures, pterygia, and spondylocarpotarsal fusion syndrome 1A. Last evaluated: 2021-09-05. Review status: criteria provided, single submitter. Criteria: ACMG Guidelines, 2015. Collection method: clinical testing. Allele origin: germline. Affected: no.

Genome-Nilou Lab
Classification: Benign for Contractures, pterygia, and variable skeletal fusions syndrome 1B. Last evaluated: 2021-09-05. Review status: criteria provided, single submitter. Criteria: ACMG Guidelines, 2015. Collection method: clinical testing. Allele origin: germline. Affected: no.

GeneDx
Classification: Benign. Last evaluated: 2018-10-07. Review status: criteria provided, single submitter. Criteria: GeneDx Variant Classification Process June 2021. Collection method: clinical testing. Allele origin: germline. Affected: yes.

Illumina Laboratory Services, Illumina
Classification: Benign for Distal arthrogryposis type 2B1. Last evaluated: 2018-01-13. Review status: criteria provided, single submitter. Criteria: ICSL Variant Classification Criteria 13 December 2019. Collection method: clinical testing. Allele origin: germline.
Comment: This variant was observed in the ICSL laboratory as part of a predisposition screen in an ostensibly healthy population. It had not been previously curated by ICSL or reported in the Human Gene Mutation Database (HGMD: prior to June 1st, 2018), and was therefore a candidate for classification through an automated scoring system. Utilizing variant allele frequency, disease prevalence and penetrance estimates, and inheritance mode, an automated score was calculated to assess if this variant is too frequent to cause the disease. Based on the score and internal cut-off values, a variant classified as benign is not then subjected to further curation. The score for this variant resulted in a classification of benign for this disease.

Illumina Laboratory Services, Illumina
Classification: Benign for Freeman-Sheldon syndrome. Last evaluated: 2018-01-13. Review status: criteria provided, single submitter. Criteria: ICSL Variant Classification Criteria 13 December 2019. Collection method: clinical testing. Allele origin: germline.
Comment: the same text as in the submission from Illumina Laboratory Services, Illumina above.

Breakthrough Genomics
Classification: Benign. Review status: criteria provided, single submitter. Criteria: ACMG Guidelines, 2015. Collection method: not provided. Allele origin: germline. Inheritance: Autosomal recessive inheritance. Affected: yes.

PreventionGenetics, part of Exact Sciences
Classification: Benign. Review status: criteria provided, single submitter. Criteria: ACMG Guidelines, 2015. Collection method: clinical testing. Allele origin: germline.

Clinical Genetics, Academic Medical Center
Classification: Benign. Review status: no assertion criteria provided. Collection method: clinical testing. Allele origin: germline. Affected: yes. Study: VKGL Data-share Consensus. Not counted in ClinVar's aggregate classification.

Diagnostic Laboratory, Department of Genetics, University Medical Center Groningen
Classification: Benign. Review status: no assertion criteria provided. Collection method: clinical testing. Allele origin: germline. Affected: yes. Study: VKGL Data-share Consensus. Not counted in ClinVar's aggregate classification.

Joint Genome Diagnostic Labs from Nijmegen and Maastricht, Radboudumc and MUMC+
Classification: Benign. Review status: no assertion criteria provided. Collection method: clinical testing. Allele origin: germline. Affected: yes. Study: VKGL Data-share Consensus. Not counted in ClinVar's aggregate classification.